The following is an entry in ClinVar:

NM_021615.5(CHST6):c.290dup (p.Ser98fs)

Gene: CHST6 (carbohydrate sulfotransferase 6; minus strand). Cytogenetic location: 16q23.1.
Variant type: Duplication.
Coding change: c.290dup on transcript NM_021615.5 (MANE Select); coding-DNA position 290, one base duplicated (G; older notation c.290dupG).
Protein change: p.Ser98fs; shifts the reading frame from serine 98.
Molecular consequence: frameshift variant.
Genome position (GRCh38, 1-based): chr16:75,479,539, C duplicated on the plus strand (G on the coding strand, the reverse complement: CHST6 is on the minus strand). VCF-style (leftmost placement, unchanged base first): chr16-75479538-G-GC. GRCh37 (hg19) VCF-style: chr16-75513436-G-GC.
Other names: short protein forms S98fs.
Identifiers: ClinVar variation 3383057 (VCV003383057.2).

ClinVar aggregate classification (germline): Likely pathogenic (1 of 4 stars; one submission).

Conditions:
Macular corneal dystrophy (MCD). Also called: Macular corneal dystrophy Type I; GROENOUW TYPE II CORNEAL DYSTROPHY. Identifiers: Orphanet 98969, MedGen C1636149, MONDO:0009020, OMIM 217800.

Submission:

Juno Genomics, Hangzhou Juno Genomics, Inc
Classification: Likely pathogenic for Macular corneal dystrophy. Review status: criteria provided, single submitter. Criteria: ACMG Guidelines, 2015. Collection method: clinical testing. Allele origin: germline. Affected: yes.
Comment: Null variant in a gene where loss of function (LOF) is a known mechanism of disease.;Absent from controls (or at extremely low frequency if recessive) in Genome Aggregation Database, Exome Sequencing Project, 1000 Genomes Project, or Exome Aggregation Consortium.;For recessive disorders, detected in trans with a pathogenic variant.;Co-segregation with disease in multiple affected family members in a gene definitively known to cause the disease.;Patient's phenotype or family history is highly specific for a disease with a single genetic etiology.